The following is an entry in ClinVar:

ClinVar aggregate classification (germline): Uncertain significance (1 of 4 stars; one submission).

gnomAD v4.1: 3 of 1,207,221 alleles (0.00025%); highest among the groups gnomAD compares: Non-Finnish European, 0.00034%; no homozygotes.

Submission:

GeneDx
Classification: Uncertain significance. Last evaluated: 2019-12-23. Review status: criteria provided, single submitter. Criteria: GeneDx Variant Classification Process June 2021. Collection method: clinical testing. Allele origin: germline. Affected: yes.
Comment: Not observed in large population cohorts (Lek et al., 2016); In silico analysis, which includes protein predictors and evolutionary conservation, supports a deleterious effect; Occurs in the triple helical domain at the Y position in the canonical Gly-X-Y repeat; although this variant may have an effect on normal protein folding and function, missense substitution at the Y position is not a common mechanism of disease; Has not been previously published as pathogenic or benign to our knowledge

NM_033380.3(COL4A5):c.2002C>T (p.Pro668Ser)

Gene: COL4A5 (collagen type IV alpha 5 chain; plus strand). Cytogenetic location: Xq22.3.
Variant type: single nucleotide variant.
Coding change: c.2002C>T on transcript NM_033380.3 (MANE Select); coding-DNA position 2002, C replaced by T.
Protein change: p.Pro668Ser; replaces proline 668 with serine.
Molecular consequence: missense variant.
Genome position (GRCh38, 1-based): chrX:108,601,446, C>T. VCF-style: chrX-108601446-C-T. GRCh37 (hg19) VCF-style: chrX-107844676-C-T.
Other names: c.2002C>T, p.Pro668Ser (NM_000495.5); short protein forms P668S.
Identifiers: ClinVar variation 1311314 (VCV001311314.2), dbSNP rs2147819433, ClinGen allele CA413846806.
Genomic context (GRCh38, chrX:108,601,446, plus strand): 5'-CTTTCAGGTCCTAAAGGGGATCCAGGTCAGACTATAACCCAGCCGGGGAAGCCTGGCTTG[C>T]CTGGTAACCCAGGCAGAGATGGTGATGTAGGTCTTCCAGGTATGTGAGGAATTTATTTCA-3'
Protein context (NP_203699.1, residues 658-678): TITQPGKPGL[Pro668Ser]GNPGRDGDVG